The following is an entry in ClinVar:

ClinVar aggregate classification (germline): Uncertain significance (1 of 4 stars; one submission).

Conditions:
Pitt-Hopkins-like syndrome 2 (PTHSL2). Identifiers: Orphanet 221150, Orphanet 600663, MedGen C3280479, MONDO:0013690, OMIM 614325.

gnomAD v4.1: 1 of 1,447,288 alleles (0.000069%); highest among the groups gnomAD compares: Non-Finnish European, 0.00009%; no homozygotes.

Submission:

Labcorp Genetics (formerly Invitae), Labcorp
Classification: Uncertain significance for Pitt-Hopkins-like syndrome 2. Last evaluated: 2022-02-05. Review status: criteria provided, single submitter. Criteria: Invitae Variant Classification Sherloc (09022015). Collection method: clinical testing. Allele origin: germline.
Comment: This variant is not present in population databases (gnomAD no frequency). In summary, the available evidence is currently insufficient to determine the role of this variant in disease. Therefore, it has been classified as a Variant of Uncertain Significance. Algorithms developed to predict the effect of missense changes on protein structure and function (SIFT, PolyPhen-2, Align-GVGD) all suggest that this variant is likely to be tolerated. This variant has not been reported in the literature in individuals affected with NRXN1-related conditions. This sequence change replaces threonine, which is neutral and polar, with lysine, which is basic and polar, at codon 3 of the NRXN1 protein (p.Thr3Lys).

NM_001330078.2(NRXN1):c.8C>A (p.Thr3Lys)

Gene: NRXN1 (neurexin 1; minus strand). Cytogenetic location: 2p16.3.
Variant type: single nucleotide variant.
Coding change: c.8C>A on transcript NM_001330078.2 (MANE Select); coding-DNA position 8, C replaced by A.
Protein change: p.Thr3Lys; replaces threonine 3 with lysine.
Molecular consequence: missense variant.
Genome position (GRCh38, 1-based): chr2:51,028,266, G>T on the plus strand (C>A on the coding strand, the complement: NRXN1 is on the minus strand). VCF-style: chr2-51028266-G-T. GRCh37 (hg19) VCF-style: chr2-51255404-G-T.
Other names: c.8C>A, p.Thr3Lys (NM_001135659.3, NM_001330077.2, NM_001330079.2 and 15 more transcripts); short protein forms T3K.
Identifiers: ClinVar variation 1362159 (VCV001362159.8), dbSNP rs1670941293, ClinGen allele CA346824894.
Genomic context (GRCh38, chr2:51,028,266, plus strand): 5'-CAGCCCAGGAGCAGCAGCGAGAGGCACAGAAGAAAACAGCCCCCGCGCTGGAGCAGCGCC[G>T]TCCCCATGCTCGGGGCTGGGGTGCGGCGGGGGGGTGCCGGGGCCGACAGGGTCAAAATGG-3'
Protein context (NP_001317007.1, residues 1-13): MG[Thr3Lys]ALLQRGGCFL